The following is an entry in ClinVar:

NM_001379081.2(FREM1):c.6392C>T (p.Pro2131Leu)

Gene: FREM1 (FRAS1 related extracellular matrix 1; minus strand). Cytogenetic location: 9p22.3.
Variant type: single nucleotide variant.
Coding change: c.6392C>T on transcript NM_001379081.2 (MANE Select); coding-DNA position 6392, C replaced by T.
Protein change: p.Pro2131Leu; replaces proline 2131 with leucine.
Molecular consequence: missense variant. On other transcripts: 3 prime UTR variant (1), non-coding transcript variant (3).
Genome position (GRCh38, 1-based): chr9:14,737,544, G>A on the plus strand (C>T on the coding strand, the complement: FREM1 is on the minus strand). VCF-style: chr9-14737544-G-A. GRCh37 (hg19) VCF-style: chr9-14737542-G-A.
Other names: c.2000C>T, p.Pro667Leu (NM_001177704.3, NM_001370061.2); c.*3C>T (NM_001370058.2); c.6392C>T, p.Pro2131Leu (NM_144966.7); c.6392C>T (NM_144966.5); short protein forms P2131L, P667L.
Identifiers: ClinVar variation 1999540 (VCV001999540.6), dbSNP rs764505995, ClinGen allele CA4989398.
Genomic context (GRCh38, chr9:14,737,544, plus strand): 5'-CAGCTCTTTCCAAGCTTGGAGCGTTGAGAGGGCCCTCTTCTCCCATTGGTGAAGGCAACA[G>A]GTTCACCACCGATCCACTCCCAGTGGCCAGCATGCACTTGGTCGTTCAAACCTAATGTGA-3'
Protein context (NP_001366010.1, residues 2121-2141): AGHWEWIGGE[Pro2131Leu]VAFTNGRRGP

ClinVar aggregate classification (germline): Uncertain significance. Review status: criteria provided, multiple submitters, no conflicts (2 of 4 stars). 3 submissions from 3 submitters: Uncertain significance (3). Last evaluated 2024-03-28.

Conditions:
Inborn genetic diseases. Identifiers: MedGen C0950123, MeSH D030342.
BNAR syndrome. Also called: Bifid Nose With or Without Anorectal and Renal Anomalies (BNAR) Syndrome. Identifiers: Orphanet 217266, MedGen C2750433, MONDO:0012165, OMIM 608980.
Oculotrichoanal syndrome (MOTA). Also called: MARLES SYNDROME; Manitoba Oculotrichoanal (MOTA) Syndrome. Identifiers: Orphanet 2717, MedGen C1855425, MONDO:0009560, OMIM 248450.
Trigonocephaly 2 (TRIGNO2). Identifiers: Orphanet 3366, MedGen C3280974, MONDO:0013774, OMIM 614485.

Allele frequency attached by ClinVar (database versions not stated): gnomAD 0.00002; gnomAD exomes 0.00003; ExAC 0.00005; TOPMed 0.00001.
gnomAD v4.1: 41 of 1,608,490 alleles (0.0025%); highest among the groups gnomAD compares: Non-Finnish European, 0.0031%; no homozygotes.

Submissions (3):

Fulgent Genetics
Classification: Uncertain significance for Oculotrichoanal syndrome; BNAR syndrome; Trigonocephaly 2. Last evaluated: 2024-03-28. Review status: criteria provided, single submitter. Criteria: ACMG Guidelines, 2015. Collection method: clinical testing. Allele origin: germline.

Ambry Genetics
Classification: Uncertain significance for Inborn genetic diseases. Last evaluated: 2024-01-09. Review status: criteria provided, single submitter. Criteria: Ambry Variant Classification Scheme 2023. Collection method: clinical testing. Allele origin: germline.

Labcorp Genetics (formerly Invitae), Labcorp
Classification: Uncertain significance. Last evaluated: 2022-10-17. Review status: criteria provided, single submitter. Criteria: Invitae Variant Classification Sherloc (09022015). Collection method: clinical testing. Allele origin: germline.
Comment: This sequence change replaces proline, which is neutral and non-polar, with leucine, which is neutral and non-polar, at codon 2131 of the FREM1 protein (p.Pro2131Leu). This variant is present in population databases (rs764505995, gnomAD 0.008%). This variant has not been reported in the literature in individuals affected with FREM1-related conditions. Algorithms developed to predict the effect of missense changes on protein structure and function are either unavailable or do not agree on the potential impact of this missense change (SIFT: "Tolerated"; PolyPhen-2: "Possibly Damaging"; Align-GVGD: "Class C0"). In summary, the available evidence is currently insufficient to determine the role of this variant in disease. Therefore, it has been classified as a Variant of Uncertain Significance.